The following is an entry in ClinVar:

NM_001114753.3(ENG):c.1619C>A (p.Pro540His)

Genes: ENG (endoglin; minus strand), LOC102723566 (uncharacterized LOC102723566; plus strand). Cytogenetic location: 9q34.11.
Variant type: single nucleotide variant.
Coding change: c.1619C>A on transcript NM_001114753.3 (MANE Select); coding-DNA position 1619, C replaced by A.
Protein change: p.Pro540His; replaces proline 540 with histidine.
Molecular consequence: missense variant.
Genome position (GRCh38, 1-based): chr9:127,818,187, G>T on the plus strand (C>A on the coding strand, the complement: ENG is on the minus strand). VCF-style: chr9-127818187-G-T. GRCh37 (hg19) VCF-style: chr9-130580466-G-T.
Other names: c.1619C>A, p.Pro540His (NM_000118.4); c.1073C>A, p.Pro358His (NM_001278138.2); short protein forms P358H, P540H.
Identifiers: ClinVar variation 4843446 (VCV004843446.1).

ClinVar aggregate classification (germline): Uncertain significance (1 of 4 stars; one submission).

Conditions:
Cardiovascular phenotype. Identifiers: MedGen CN230736.

Submission:

Ambry Genetics
Classification: Uncertain significance for Cardiovascular phenotype. Last evaluated: 2025-12-15. Review status: criteria provided, single submitter. Criteria: Ambry Variant Classification Scheme 2023. Collection method: clinical testing. Allele origin: germline.
Comment: The p.P540H variant (also known as c.1619C>A), located in coding exon 12 of the ENG gene, results from a C to A substitution at nucleotide position 1619. The proline at codon 540 is replaced by histidine, an amino acid with similar properties. This amino acid position is conserved. In addition, the in silico prediction for this alteration is inconclusive. Based on the available evidence, the clinical significance of this variant remains unclear.